The following is an entry in ClinVar:

ClinVar aggregate classification (germline): Uncertain significance (1 of 4 stars; one submission).

Conditions:
Hereditary cancer-predisposing syndrome. Also called: Neoplastic Syndromes, Hereditary; Tumor predisposition; Hereditary Cancer Syndrome; Hereditary neoplastic syndrome. Identifiers: Orphanet 140162, MedGen C0027672, MeSH D009386, MONDO:0015356.

Submission:

Ambry Genetics
Classification: Uncertain significance for Hereditary cancer-predisposing syndrome. Last evaluated: 2026-03-12. Review status: criteria provided, single submitter. Criteria: Ambry Variant Classification Scheme 2023. Collection method: clinical testing. Allele origin: germline.
Comment: The p.C1553S variant (also known as c.4658G>C), located in coding exon 22 of the DICER1 gene, results from a G to C substitution at nucleotide position 4658. The cysteine at codon 1553 is replaced by serine, an amino acid with dissimilar properties. This amino acid position is conserved. In addition, this alteration is predicted to be deleterious by in silico analysis. Based on the available evidence, the clinical significance of this variant remains unclear.

NM_177438.3(DICER1):c.4658G>C (p.Cys1553Ser)

Gene: DICER1 (dicer 1, ribonuclease III; minus strand). Cytogenetic location: 14q32.13.
Variant type: single nucleotide variant.
Coding change: c.4658G>C on transcript NM_177438.3 (MANE Select); coding-DNA position 4658, G replaced by C.
Protein change: p.Cys1553Ser; replaces cysteine 1553 with serine.
Molecular consequence: missense variant. On other transcripts: non-coding transcript variant (6).
Genome position (GRCh38, 1-based): chr14:95,096,262, C>G on the plus strand (G>C on the coding strand, the complement: DICER1 is on the minus strand). VCF-style: chr14-95096262-C-G. GRCh37 (hg19) VCF-style: chr14-95562599-C-G.
Other names: c.4658G>C, p.Cys1553Ser (NM_001395693.1, NM_001395694.1, NM_001395695.1 and 12 more transcripts); c.4253G>C, p.Cys1418Ser (NM_001395696.1, NM_001395687.1, NM_001395688.1 and 2 more transcripts); c.2975G>C, p.Cys992Ser (NM_001395697.1); c.4376G>C, p.Cys1459Ser (NM_001395686.1); c.4091G>C, p.Cys1364Ser (NM_001395691.1); short protein forms C1364S, C1418S, C1459S, C992S, C1553S.
Identifiers: ClinVar variation 4826972 (VCV004826972.1).
Genomic context (GRCh38, chr14:95,096,262, plus strand): 5'-CTGGTTAAATAGCAGCCCAGCAGGGCTTCCACACAGTCCGCTATGCTTTTGTCAGCAATA[C>G]ACTGCTCAGTGTGCAAGTCGTAAGAAATGGACTGCTTTCCCGTGTCAACACCACAGTTTT-3'
Protein context (NP_803187.1, residues 1543-1563): SISYDLHTEQ[Cys1553Ser]IADKSIADCV